The following is an entry in ClinVar:

ClinVar aggregate classification (germline): Likely benign. Review status: criteria provided, single submitter (1 of 4 stars). 2 submissions from 2 submitters: Likely benign (1). 1 of the submissions does not count toward it. Last evaluated 2018-03-29.

Conditions:
RUBCN-related disorder. Also called: RUBCN-related condition.

Allele frequency attached by ClinVar (database versions not stated): ExAC 0.00008; gnomAD exomes 0.00009; ESP Exome Variant Server 0.00017; TOPMed 0.00024; gnomAD 0.00025 and 0.00026; 1000 Genomes Project 30x 0.00031; 1000 Genomes Project 0.00040.
gnomAD v4.1: 85 of 1,614,118 alleles (0.0053%); highest among the groups gnomAD compares: African/African-American, 0.075%; no homozygotes.

Submissions (2):

Labcorp Genetics (formerly Invitae), Labcorp
Classification: Likely benign. Last evaluated: 2018-03-29. Review status: criteria provided, single submitter. Criteria: Invitae Variant Classification Sherloc (09022015). Collection method: clinical testing. Allele origin: germline.

PreventionGenetics, part of Exact Sciences
Classification: Likely benign for RUBCN-related condition. Last evaluated: 2019-06-12. Review status: no assertion criteria provided. Collection method: clinical testing. Allele origin: germline. Not counted in ClinVar's aggregate classification.
Comment: This variant is classified as likely benign based on ACMG/AMP sequence variant interpretation guidelines (Richards et al. 2015 PMID: 25741868, with internal and published modifications).

NM_014687.4(RUBCN):c.594G>A (p.Pro198=)

Gene: RUBCN (rubicon autophagy regulator; minus strand). Cytogenetic location: 3q29.
Variant type: single nucleotide variant.
Coding change: c.594G>A on transcript NM_014687.4 (MANE Select); coding-DNA position 594, G replaced by A.
Protein change: p.Pro198=; no amino-acid change (proline 198 retained).
Molecular consequence: synonymous variant.
Genome position (GRCh38, 1-based): chr3:197,701,841, C>T on the plus strand (G>A on the coding strand, the complement: RUBCN is on the minus strand). VCF-style: chr3-197701841-C-T. GRCh37 (hg19) VCF-style: chr3-197428712-C-T.
Other names: c.414G>A, p.Pro138= (NM_001145642.5); c.594G>A, p.Pro198= (NM_001346873.2); c.594G>A (NM_014687.3).
Identifiers: ClinVar variation 738420 (VCV000738420.5), dbSNP rs374081741, ClinGen allele CA2787163.